The following is an entry in ClinVar:

ClinVar aggregate classification (germline): Uncertain significance. Review status: criteria provided, multiple submitters, no conflicts (2 of 4 stars). 2 submissions from 2 submitters: Uncertain significance (2). Last evaluated 2025-03-10.

Conditions:
Episodic ataxia type 1 (EA1). Also called: ATAXIA, EPISODIC, WITH MYOKYMIA; Episodic ataxia/myokymia syndrome; MYOKYMIA WITH PERIODIC ATAXIA; PAROXYSMAL ATAXIA WITH NEUROMYOTONIA, HEREDITARY. Identifiers: Orphanet 37612, Orphanet 972, MedGen C1719788, MONDO:0008047, OMIM 160120.

Allele frequency attached by ClinVar (database versions not stated): gnomAD exomes below 0.00001 and 0.00001; TOPMed 0.00001.

Submissions (2):

Labcorp Genetics (formerly Invitae), Labcorp
Classification: Uncertain significance for Episodic ataxia type 1. Last evaluated: 2025-03-10. Review status: criteria provided, single submitter. Criteria: Invitae Variant Classification Sherloc (09022015). Collection method: clinical testing. Allele origin: germline.
Comment: This sequence change replaces glutamic acid, which is acidic and polar, with lysine, which is basic and polar, at codon 141 of the KCNA1 protein (p.Glu141Lys). This variant is present in population databases (no rsID available, gnomAD 0.0009%). This variant has not been reported in the literature in individuals affected with KCNA1-related conditions. ClinVar contains an entry for this variant (Variation ID: 948787). Invitae Evidence Modeling of protein sequence and biophysical properties (such as structural, functional, and spatial information, amino acid conservation, physicochemical variation, residue mobility, and thermodynamic stability) has been performed for this missense variant. However, the output from this modeling did not meet the statistical confidence thresholds required to predict the impact of this variant on KCNA1 protein function. In summary, the available evidence is currently insufficient to determine the role of this variant in disease. Therefore, it has been classified as a Variant of Uncertain Significance.

Fulgent Genetics
Classification: Uncertain significance for Episodic ataxia type 1. Last evaluated: 2024-05-24. Review status: criteria provided, single submitter. Criteria: ACMG Guidelines, 2015. Collection method: clinical testing. Allele origin: germline.

NM_000217.3(KCNA1):c.421G>A (p.Glu141Lys)

Gene: KCNA1 (potassium voltage-gated channel subfamily A member 1; plus strand). Cytogenetic location: 12p13.32.
Variant type: single nucleotide variant.
Coding change: c.421G>A on transcript NM_000217.3 (MANE Select); coding-DNA position 421, G replaced by A.
Protein change: p.Glu141Lys; replaces glutamic acid 141 with lysine.
Molecular consequence: missense variant.
Genome position (GRCh38, 1-based): chr12:4,911,799, G>A. VCF-style: chr12-4911799-G-A. GRCh37 (hg19) VCF-style: chr12-5020965-G-A.
Other names: short protein forms E141K.
Identifiers: ClinVar variation 948787 (VCV000948787.11), dbSNP rs934102011, ClinGen allele CA231855600.